The following is an entry in ClinVar:

NM_005633.4(SOS1):c.368A>T (p.Asp123Val)

Gene: SOS1 (SOS Ras/Rac guanine nucleotide exchange factor 1; minus strand). Cytogenetic location: 2p22.1.
Variant type: single nucleotide variant.
Coding change: c.368A>T on transcript NM_005633.4 (MANE Select); coding-DNA position 368, A replaced by T.
Protein change: p.Asp123Val; replaces aspartic acid 123 with valine.
Molecular consequence: missense variant.
Genome position (GRCh38, 1-based): chr2:39,056,844, T>A on the plus strand (A>T on the coding strand, the complement: SOS1 is on the minus strand). VCF-style: chr2-39056844-T-A. GRCh37 (hg19) VCF-style: chr2-39283985-T-A.
Other names: c.347A>T, p.Asp116Val (NM_001382394.1); c.368A>T, p.Asp123Val (NM_001382395.1); short protein forms D116V, D123V.
Identifiers: ClinVar variation 4536564 (VCV004536564.1).

ClinVar aggregate classification (germline): Uncertain significance (1 of 4 stars; one submission).

Submission:

GeneDx
Classification: Uncertain significance. Last evaluated: 2025-06-02. Review status: criteria provided, single submitter. Criteria: GeneDx Variant Classification Process June 2021. Collection method: clinical testing. Allele origin: germline. Affected: yes.
Comment: Not observed at significant frequency in large population cohorts (gnomAD); Missense variants in this gene are a common cause of disease and they are underrepresented in the general population; In silico analysis supports that this missense variant has a deleterious effect on protein structure/function; Has not been previously published as pathogenic or benign to our knowledge; This variant is associated with the following publications: (PMID: 29493581)